The following is an entry in ClinVar:

NM_001365276.2(TNXB):c.4639G>C (p.Asp1547His)

Gene: TNXB (tenascin XB; minus strand). Cytogenetic location: 6p21.33.
Variant type: single nucleotide variant.
Coding change: c.4639G>C on transcript NM_001365276.2 (MANE Select); coding-DNA position 4639, G replaced by C.
Protein change: p.Asp1547His; replaces aspartic acid 1547 with histidine.
Molecular consequence: missense variant.
Genome position (GRCh38, 1-based): chr6:32,073,689, C>G on the plus strand (G>C on the coding strand, the complement: TNXB is on the minus strand). VCF-style: chr6-32073689-C-G. GRCh37 (hg19) VCF-style: chr6-32041466-C-G.
Other names: c.4639G>C, p.Asp1547His (NM_019105.8); short protein forms D1547H.
Identifiers: ClinVar variation 2332583 (VCV002332583.4), dbSNP rs1025025117, ClinGen allele CA363423310.

ClinVar aggregate classification (germline): Uncertain significance. Review status: criteria provided, multiple submitters, no conflicts (2 of 4 stars). 2 submissions from 2 submitters: Uncertain significance (2). Last evaluated 2025-04-17.

Conditions:
Cardiovascular phenotype. Identifiers: MedGen CN230736.

gnomAD v4.1: 3 of 1,610,072 alleles (0.00019%); highest among the groups gnomAD compares: Non-Finnish European, 0.00017%; no homozygotes.

Submissions (2):

GeneDx
Classification: Uncertain significance. Last evaluated: 2025-04-17. Review status: criteria provided, single submitter. Criteria: GeneDx Variant Classification Process June 2021. Collection method: clinical testing. Allele origin: germline. Affected: yes.
Comment: Not observed at significant frequency in large population cohorts (gnomAD); In silico analysis supports that this missense variant has a deleterious effect on protein structure/function; Has not been previously published as pathogenic or benign to our knowledge

Ambry Genetics
Classification: Uncertain significance for Cardiovascular phenotype. Last evaluated: 2025-02-12. Review status: criteria provided, single submitter. Criteria: Ambry Variant Classification Scheme 2023. Collection method: clinical testing. Allele origin: germline.